The following is an entry in ClinVar:

NM_014339.7(IL17RA):c.*3187T>G

Gene: IL17RA (interleukin 17 receptor A; plus strand). Cytogenetic location: 22q11.1.
Variant type: single nucleotide variant.
Coding change: c.*3187T>G on transcript NM_014339.7 (MANE Select); 3187 bases downstream of the stop codon, T replaced by G.
Molecular consequence: 3 prime UTR variant.
Genome position (GRCh38, 1-based): chr22:17,113,007, T>G. VCF-style: chr22-17113007-T-G. GRCh37 (hg19) VCF-style: chr22-17593897-T-G.
Other names: c.*3187T>G (NM_001289905.2).
Identifiers: ClinVar variation 340682 (VCV000340682.5), dbSNP rs536506632, ClinGen allele CA10653806.

ClinVar aggregate classification (germline): Likely benign (1 of 4 stars; one submission).

Conditions:
Immunodeficiency 51 (IMD51). Also called: CANDIDIASIS, FAMILIAL, 5. Identifiers: Orphanet 1334, MedGen C4310803, MONDO:0013500, OMIM 613953.

Allele frequency attached by ClinVar (database versions not stated): 1000 Genomes Project 0.00060; 1000 Genomes Project 30x 0.00078; TOPMed 0.00083; gnomAD 0.00091 and 0.00096.
gnomAD v4.1: 137 of 152,000 alleles (0.09%); highest among the groups gnomAD compares: African/African-American, 0.32%; 1 homozygote.

Submission:

Illumina Laboratory Services, Illumina
Classification: Likely benign for Immunodeficiency 51. Last evaluated: 2018-01-13. Review status: criteria provided, single submitter. Criteria: ICSL Variant Classification Criteria 13 December 2019. Collection method: clinical testing. Allele origin: germline.
Comment: This variant was observed in the ICSL laboratory as part of a predisposition screen in an ostensibly healthy population. It had not been previously curated by ICSL or reported in the Human Gene Mutation Database (HGMD: prior to June 1st, 2018), and was therefore a candidate for classification through an automated scoring system. Utilizing variant allele frequency, disease prevalence and penetrance estimates, and inheritance mode, an automated score was calculated to assess if this variant is too frequent to cause the disease. Based on the score and internal cut-off values, a variant classified as likely benign is not then subjected to further curation. The score for this variant resulted in a classification of likely benign for this disease.